The following is an entry in ClinVar:

ClinVar aggregate classification (germline): Pathogenic (1 of 4 stars; one submission).

Conditions:
CHARGE syndrome (CHARGE). Also called: Hittner Hirsch Kreh syndrome; Coloboma, heart anomaly, choanal atresia, retardation, genital and ear anomalies; CHARGE association; Hall-Hittner syndrome; CHARGE ASSOCIATION--COLOBOMA, HEART ANOMALY, CHOANAL ATRESIA, RETARDATION, GENITAL AND EAR ANOMALIES. Identifiers: Orphanet 138, MedGen C0265354, MONDO:0008965.

Submission:

Genomic Diagnostic Laboratory, Division of Genomic Diagnostics, Children's Hospital of Philadelphia
Classification: Pathogenic for CHARGE syndrome. Last evaluated: 2016-09-05. Review status: criteria provided, single submitter. Criteria: DGD Variant Analysis Guidelines. Collection method: clinical testing. Allele origin: germline. Affected: yes. Observed: 1 variant allele.
Comment: Clinical Testing

NM_017780.4(CHD7):c.4837_4838del (p.Leu1613fs)

Gene: CHD7 (chromodomain helicase DNA binding protein 7; plus strand). Cytogenetic location: 8q12.2.
Variant type: Deletion.
Coding change: c.4837_4838del on transcript NM_017780.4 (MANE Select); coding-DNA positions 4837 to 4838, 2 bases deleted (CT; older notation c.4837_4838delCT).
Protein change: p.Leu1613fs; shifts the reading frame from leucine 1613.
Molecular consequence: frameshift variant. On other transcripts: intron variant (1).
Genome position (GRCh38, 1-based): chr8:60,842,039-60,842,040, CT deleted; deleting any 2 consecutive bases within chr8:60,842,038-60,842,040 gives the same sequence; the c. name uses the placement nearest the transcript's 3' end. VCF-style (leftmost placement, unchanged base first): chr8-60842037-ATC-A. GRCh37 (hg19) VCF-style: chr8-61754596-ATC-A.
Other names: c.4837_4838del (LRG_176t1); c.1717-20190_1717-20189del (NM_001316690.1); short protein forms L1613fs.
Identifiers: ClinVar variation 267431 (VCV000267431.2), dbSNP rs886040992, ClinGen allele CA10602498.